The following is an entry in ClinVar:

NM_006950.3(SYN1):c.1093G>A (p.Gly365Arg)

Gene: SYN1 (synapsin I; minus strand). Cytogenetic location: Xp11.3.
Variant type: single nucleotide variant.
Coding change: c.1093G>A on transcript NM_006950.3 (MANE Select); coding-DNA position 1093, G replaced by A.
Protein change: p.Gly365Arg; replaces glycine 365 with arginine.
Molecular consequence: missense variant.
Genome position (GRCh38, 1-based): chrX:47,576,196, C>T on the plus strand (G>A on the coding strand, the complement: SYN1 is on the minus strand). VCF-style: chrX-47576196-C-T. GRCh37 (hg19) VCF-style: chrX-47435595-C-T.
Other names: c.1093G>A, p.Gly365Arg (NM_133499.2); short protein forms G365R.
Identifiers: ClinVar variation 1401203 (VCV001401203.8), dbSNP rs2147913172, ClinGen allele CA412826403.
Genomic context (GRCh38, chrX:47,576,196, plus strand): 5'-TGATGTGATCCCTTCCGTCCTTGCCATGTAGCGCTTCCACTGCGCAGATGTCCAGTCCCC[C>T]AAAAATCTCTGAGCACGTGTCCACCCACAGCTTGTATCTGCCAAGACAAAGGGTGGGGAA-3'
Protein context (NP_008881.2, residues 355-375): LWVDTCSEIF[Gly365Arg]GLDICAVEAL

ClinVar aggregate classification (germline): Uncertain significance (1 of 4 stars; one submission).

Conditions:
Epilepsy, X-linked 1, with variable learning disabilities and behavior disorders. Also called: X-linked epilepsy-learning disabilities-behavior disorders syndrome. Identifiers: Orphanet 85294, MedGen C5774177, MONDO:0010339, OMIM 300491.

Submission:

Labcorp Genetics (formerly Invitae), Labcorp
Classification: Uncertain significance for Epilepsy, X-linked 1, with variable learning disabilities and behavior disorders. Last evaluated: 2022-08-09. Review status: criteria provided, single submitter. Criteria: Invitae Variant Classification Sherloc (09022015). Collection method: clinical testing. Allele origin: germline.
Comment: In summary, the available evidence is currently insufficient to determine the role of this variant in disease. Therefore, it has been classified as a Variant of Uncertain Significance. Algorithms developed to predict the effect of missense changes on protein structure and function are either unavailable or do not agree on the potential impact of this missense change (SIFT: "Deleterious"; PolyPhen-2: "Probably Damaging"; Align-GVGD: "Class C0"). This variant is not present in population databases (gnomAD no frequency). This variant has not been reported in the literature in individuals affected with SYN1-related conditions. ClinVar contains an entry for this variant (Variation ID: 1401203). This sequence change replaces glycine, which is neutral and non-polar, with arginine, which is basic and polar, at codon 365 of the SYN1 protein (p.Gly365Arg).